The following is an entry in ClinVar:

NM_144672.4(OTOA):c.1424G>A (p.Arg475Lys)

Gene: OTOA (otoancorin). Cytogenetic location: 16p12.2.
Variant type: single nucleotide variant.
Coding change: c.1424G>A on transcript NM_144672.4 (MANE Select); coding-DNA position 1424, G replaced by A.
Protein change: p.Arg475Lys; replaces arginine 475 with lysine.
Molecular consequence: missense variant.
Genome position (GRCh38, 1-based): chr16:21,715,088, G>A. VCF-style: chr16-21715088-G-A. GRCh37 (hg19) VCF-style: chr16-21726409-G-A.
Other names: c.1187G>A, p.Arg396Lys (NM_001161683.2); c.452G>A, p.Arg151Lys (NM_170664.3); short protein forms R151K, R396K, R475K.
Identifiers: ClinVar variation 1199850 (VCV001199850.9), dbSNP rs747597113, ClinGen allele CA7952625.

ClinVar aggregate classification (germline): Uncertain significance. Review status: criteria provided, multiple submitters, no conflicts (2 of 4 stars). 3 submissions from 3 submitters: Uncertain significance (3). Last evaluated 2026-09-25.

Conditions:
Inborn genetic diseases. Identifiers: MedGen C0950123, MeSH D030342.

Allele frequency attached by ClinVar (database versions not stated): TOPMed 0.00005; ExAC 0.00007; gnomAD exomes 0.00009 and 0.00004; gnomAD 0.00006 and 0.00005.
gnomAD v4.1: 134 of 1,614,124 alleles (0.0083%); highest among the groups gnomAD compares: Non-Finnish European, 0.011%; 1 homozygote.

Submissions (3):

GeneDx
Classification: Uncertain significance. Last evaluated: 2026-09-25. Review status: criteria provided, single submitter. Criteria: GeneDx Variant Classification Process June 2021. Collection method: clinical testing. Allele origin: germline.
Comment: Not observed at significant frequency in large population cohorts (gnomAD); In silico analysis suggests that this missense variant does not alter protein structure/function; Has not been previously published as pathogenic or benign to our knowledge

Ambry Genetics
Classification: Uncertain significance for Inborn genetic diseases. Last evaluated: 2023-08-02. Review status: criteria provided, single submitter. Criteria: Ambry Variant Classification Scheme 2023. Collection method: clinical testing. Allele origin: germline.

Labcorp Genetics (formerly Invitae), Labcorp
Classification: Uncertain significance. Last evaluated: 2022-02-03. Review status: criteria provided, single submitter. Criteria: Invitae Variant Classification Sherloc (09022015). Collection method: clinical testing. Allele origin: germline.
Comment: This sequence change replaces arginine, which is basic and polar, with lysine, which is basic and polar, at codon 475 of the OTOA protein (p.Arg475Lys). This variant is present in population databases (rs747597113, gnomAD 0.007%). This variant has not been reported in the literature in individuals affected with OTOA-related conditions. ClinVar contains an entry for this variant (Variation ID: 1199850). Algorithms developed to predict the effect of missense changes on protein structure and function output the following: SIFT: "Tolerated"; PolyPhen-2: "Benign"; Align-GVGD: "Class C0". The lysine amino acid residue is found in multiple mammalian species, which suggests that this missense change does not adversely affect protein function. In summary, the available evidence is currently insufficient to determine the role of this variant in disease. Therefore, it has been classified as a Variant of Uncertain Significance.